The following is an entry in ClinVar:

NC_000009.11:g.(?_140622781)_(140623001_?)del

Gene: EHMT1 (euchromatic histone lysine methyltransferase 1; plus strand). Cytogenetic location: 9q34.3.
Variant type: Deletion.
Identifiers: ClinVar variation 3245167 (VCV003245167.1).

ClinVar aggregate classification (germline): Pathogenic (1 of 4 stars; one submission).

Conditions:
Kleefstra syndrome 1 (KLEFS1). Identifiers: Orphanet 261494, MedGen C0795833, MONDO:0027407, OMIM 610253.

Submission:

Labcorp Genetics (formerly Invitae), Labcorp
Classification: Pathogenic for Kleefstra syndrome 1. Last evaluated: 2023-06-27. Review status: criteria provided, single submitter. Criteria: Invitae Variant Classification Sherloc (09022015). Collection method: clinical testing. Allele origin: unknown.
Comment: For these reasons, this variant has been classified as Pathogenic. This variant has not been reported in the literature in individuals affected with EHMT1-related conditions. This variant is a gross deletion of the genomic region encompassing exon(s) 4 of the EHMT1 gene. This deletion is out-of-frame, and is expected to create a premature termination codon and result in an absent or disrupted protein product. Loss-of-function variants in EHMT1 are known to be pathogenic (PMID: 16826528, 19264732).

Literature cited by the submitters: PubMed 16826528; PubMed 19264732.